The following is an entry in ClinVar:

NM_173728.4(ARHGEF15):c.811G>C (p.Glu271Gln)

Gene: ARHGEF15 (Rho guanine nucleotide exchange factor 15; plus strand). Cytogenetic location: 17p13.1.
Variant type: single nucleotide variant.
Coding change: c.811G>C on transcript NM_173728.4 (MANE Select); coding-DNA position 811, G replaced by C.
Protein change: p.Glu271Gln; replaces glutamic acid 271 with glutamine.
Molecular consequence: missense variant.
Genome position (GRCh38, 1-based): chr17:8,313,131, G>C. VCF-style: chr17-8313131-G-C. GRCh37 (hg19) VCF-style: chr17-8216449-G-C.
Other names: c.811G>C, p.Glu271Gln (NM_025014.2); short protein forms E271Q.
Identifiers: ClinVar variation 2055511 (VCV002055511.4), dbSNP rs1238534737, ClinGen allele CA398016314.

ClinVar aggregate classification (germline): Uncertain significance (1 of 4 stars; one submission).

Conditions:
Early-infantile DEE. Also called: Early infantile epileptic encephalopathy with suppression bursts; Early infantile epileptic encephalopathy; Ohtahara syndrome. Identifiers: Orphanet 1934, MedGen C0393706, MONDO:0800491.

Allele frequency attached by ClinVar (database versions not stated): gnomAD exomes below 0.00001; TOPMed below 0.00001; gnomAD 0.00001.
gnomAD v4.1: 4 of 1,612,560 alleles (0.00025%); highest among the groups gnomAD compares: Non-Finnish European, 0.00034%; no homozygotes.

Submission:

Labcorp Genetics (formerly Invitae), Labcorp
Classification: Uncertain significance for Early-infantile DEE. Last evaluated: 2022-08-09. Review status: criteria provided, single submitter. Criteria: Invitae Variant Classification Sherloc (09022015). Collection method: clinical testing. Allele origin: germline.
Comment: Algorithms developed to predict the effect of sequence changes on RNA splicing suggest that this variant may create or strengthen a splice site. In summary, the available evidence is currently insufficient to determine the role of this variant in disease. Therefore, it has been classified as a Variant of Uncertain Significance. Algorithms developed to predict the effect of missense changes on protein structure and function (SIFT, PolyPhen-2, Align-GVGD) all suggest that this variant is likely to be disruptive. This variant has not been reported in the literature in individuals affected with ARHGEF15-related conditions. This variant is not present in population databases (gnomAD no frequency). This sequence change replaces glutamic acid, which is acidic and polar, with glutamine, which is neutral and polar, at codon 271 of the ARHGEF15 protein (p.Glu271Gln).